The following is an entry in ClinVar:

NM_139321.3(ATRN):c.2410A>G (p.Thr804Ala)

Gene: ATRN (attractin; plus strand). Cytogenetic location: 20p13.
Variant type: single nucleotide variant.
Coding change: c.2410A>G on transcript NM_139321.3 (MANE Select); coding-DNA position 2410, A replaced by G.
Protein change: p.Thr804Ala; replaces threonine 804 with alanine.
Molecular consequence: missense variant.
Genome position (GRCh38, 1-based): chr20:3,578,638, A>G. VCF-style: chr20-3578638-A-G. GRCh37 (hg19) VCF-style: chr20-3559285-A-G.
Other names: c.2062A>G, p.Thr688Ala (NM_001207047.3); c.2410A>G, p.Thr804Ala (NM_001323332.2, NM_139322.4); c.2410A>G (NM_139321.2); short protein forms T804A, T688A.
Identifiers: ClinVar variation 2986171 (VCV002986171.4), dbSNP rs1011871573, ClinGen allele CA310955979.

ClinVar aggregate classification (germline): Uncertain significance. Review status: criteria provided, multiple submitters, no conflicts (2 of 4 stars). 2 submissions from 2 submitters: Uncertain significance (2). Last evaluated 2025-04-03.

Allele frequency attached by ClinVar (database versions not stated): gnomAD exomes below 0.00001; gnomAD 0.00001; TOPMed 0.00001.
gnomAD v4.1: 4 of 1,613,268 alleles (0.00025%); highest among the groups gnomAD compares: African/African-American, 0.004%; no homozygotes.

Submissions (2):

Ambry Genetics
Classification: Uncertain significance. Last evaluated: 2025-04-03. Review status: criteria provided, single submitter. Criteria: Ambry Variant Classification Scheme 2023. Collection method: clinical testing. Allele origin: germline.

Labcorp Genetics (formerly Invitae), Labcorp
Classification: Uncertain significance. Last evaluated: 2023-03-19. Review status: criteria provided, single submitter. Criteria: Invitae Variant Classification Sherloc (09022015). Collection method: clinical testing. Allele origin: germline.
Comment: This sequence change replaces threonine, which is neutral and polar, with alanine, which is neutral and non-polar, at codon 804 of the ATRN protein (p.Thr804Ala). This variant is present in population databases (no rsID available, gnomAD 0.008%). This variant has not been reported in the literature in individuals affected with ATRN-related conditions. An algorithm developed to predict the effect of missense changes on protein structure and function (PolyPhen-2) suggests that this variant is likely to be tolerated. In summary, the available evidence is currently insufficient to determine the role of this variant in disease. Therefore, it has been classified as a Variant of Uncertain Significance.